The following is an entry in ClinVar:

NM_001005242.3(PKP2):c.1403A>T (p.Asn468Ile)

Gene: PKP2 (plakophilin 2; minus strand). Cytogenetic location: 12p11.21.
Variant type: single nucleotide variant.
Coding change: c.1403A>T on transcript NM_001005242.3 (MANE Select); coding-DNA position 1403, A replaced by T.
Protein change: p.Asn468Ile; replaces asparagine 468 with isoleucine.
Molecular consequence: missense variant.
Genome position (GRCh38, 1-based): chr12:32,841,181, T>A on the plus strand (A>T on the coding strand, the complement: PKP2 is on the minus strand). VCF-style: chr12-32841181-T-A. GRCh37 (hg19) VCF-style: chr12-32994115-T-A.
Other names: c.1403A>T, p.Asn468Ile (NM_001407155.1, NM_001407156.1, NM_001407161.1); c.1535A>T, p.Asn512Ile (NM_001407157.1, NM_004572.4); c.1076A>T, p.Asn359Ile (NM_001407158.1, NM_001407159.1, NM_001407160.1 and 1 more transcripts); short protein forms N359I, N468I, N512I.
Identifiers: ClinVar variation 3073698 (VCV003073698.3), dbSNP rs1956588545, ClinGen allele CA384368081.
Genomic context (GRCh38, chr12:32,841,181, plus strand): 5'-ATGATATTCTCCGTCAGCGTAAGCAATGCTTCTGTTATCATGAGATTCTTGAGTTTGTCA[T>A]TAGATGACAAATTCCACAGCAAACCTAGAAAAGCACAGAGTTACCATGAAAACAGTGCAG-3'
Protein context (NP_001005242.2, residues 458-478): ITGLLWNLSS[Asn468Ile]DKLKNLMITE

ClinVar aggregate classification (germline): Uncertain significance. Review status: criteria provided, multiple submitters, no conflicts (2 of 4 stars). 3 submissions from 3 submitters: Uncertain significance (3). Last evaluated 2026-06-10.

Conditions:
Arrhythmogenic right ventricular cardiomyopathy (ARVD). Also called: Cardiomyopathy, ARVC; Arrhythmogenic right ventricular dysplasia; Arrhythmogenic cardiomyopathy; Arrhythmogenic Right Ventricular Cardiomyopathy (ARVC). Identifiers: Orphanet 247, MedGen C0349788, MeSH D019571, MONDO:0016587. Disease mechanism: loss of function. Inheritance: Various modes of inheritance.
Cardiomyopathy (CMYO). Also called: Cardiomyopathies. Identifiers: Orphanet 167848, MedGen C0878544, MONDO:0004994, HP:0001638. Inheritance: Various modes of inheritance.
Cardiovascular phenotype. Identifiers: MedGen CN230736.

Allele frequency attached by ClinVar (database versions not stated): gnomAD exomes below 0.00001; TOPMed below 0.00001.
gnomAD v4.1: 1 of 1,613,628 alleles (0.000062%); highest among the groups gnomAD compares: African/African-American, 0.0013%; no homozygotes.

Submissions (3):

Ambry Genetics
Classification: Uncertain significance for Cardiovascular phenotype. Last evaluated: 2026-06-10. Review status: criteria provided, single submitter. Criteria: Ambry Variant Classification Scheme 2023. Collection method: clinical testing. Allele origin: germline.

All of Us Research Program, National Institutes of Health
Classification: Uncertain significance for Arrhythmogenic right ventricular cardiomyopathy. Last evaluated: 2023-10-06. Review status: criteria provided, single submitter. Criteria: ACMG Guidelines, 2015. Collection method: clinical testing. Allele origin: germline. Inheritance: Autosomal dominant inheritance. Observed: 1 variant allele, 1 heterozygote.
Comment: This missense variant replaces asparagine with isoleucine at codon 512 of the PKP2 protein. Computational prediction suggests that this variant may not impact protein structure and function (internally defined REVEL score threshold <= 0.5, PMID: 27666373). To our knowledge, functional studies have not been reported for this variant. This variant has not been reported in individuals affected with PKP2-related disorders in the literature. This variant has not been identified in the general population by the Genome Aggregation Database (gnomAD). The available evidence is insufficient to determine the role of this variant in disease conclusively. Therefore, this variant is classified as a Variant of Uncertain Significance.

This study involves interpretation of variants in research participants for the purpose of population health screening. Participant phenotype was not available at the time of variant classification. Additional details can be found in publication PMID: 35346344, PMCID: PMC8962531

Color Diagnostics, LLC DBA Color Health
Classification: Uncertain significance for Cardiomyopathy. Last evaluated: 2023-09-20. Review status: criteria provided, single submitter. Criteria: ACMG Guidelines, 2015. Collection method: clinical testing. Allele origin: germline.
Comment: This missense variant replaces asparagine with isoleucine at codon 512 of the PKP2 protein. Computational prediction suggests that this variant may not impact protein structure and function (internally defined REVEL score threshold <= 0.5, PMID: 27666373). To our knowledge, functional studies have not been reported for this variant. This variant has not been reported in individuals affected with PKP2-related disorders in the literature. This variant has not been identified in the general population by the Genome Aggregation Database (gnomAD). The available evidence is insufficient to determine the role of this variant in disease conclusively. Therefore, this variant is classified as a Variant of Uncertain Significance.